The following is an entry in ClinVar:

ClinVar aggregate classification (germline): Likely pathogenic (1 of 4 stars; one submission).

Conditions:
Hereditary cancer-predisposing syndrome. Also called: Neoplastic Syndromes, Hereditary; Tumor predisposition; Hereditary Cancer Syndrome; Hereditary neoplastic syndrome. Identifiers: Orphanet 140162, MedGen C0027672, MeSH D009386, MONDO:0015356.

Submission:

Ambry Genetics
Classification: Likely pathogenic for Hereditary cancer-predisposing syndrome. Last evaluated: 2025-02-27. Review status: criteria provided, single submitter. Criteria: Ambry Variant Classification Scheme 2023. Collection method: clinical testing. Allele origin: germline.
Comment: The c.1059+1G>C intronic variant results from a G to C substitution one nucleotide after coding exon 3 of the AXIN2 gene. This nucleotide position is highly conserved in available vertebrate species. In silico splice site analysis predicts that this alteration will weaken the native splice donor site; however, direct evidence is insufficient at this time (Ambry internal data). Alterations that disrupt the canonical splice site are expected to cause aberrant splicing, resulting in an abnormal protein or a transcript that is subject to nonsense-mediated mRNA decay. As such, this alteration is classified as likely pathogenic.

NM_004655.4(AXIN2):c.1059+1G>C

Gene: AXIN2 (axin 2; minus strand). Cytogenetic location: 17q24.1.
Variant type: single nucleotide variant.
Coding change: c.1059+1G>C on transcript NM_004655.4 (MANE Select); the canonical splice donor site of the intron after coding-DNA position 1059, G replaced by C.
Molecular consequence: splice donor variant.
Genome position (GRCh38, 1-based): chr17:65,541,454, C>G on the plus strand (G>C on the coding strand, the complement: AXIN2 is on the minus strand). VCF-style: chr17-65541454-C-G. GRCh37 (hg19) VCF-style: chr17-63537572-C-G.
Other names: c.1059+1G>C (NM_001363813.1).
Identifiers: ClinVar variation 1779301 (VCV001779301.3), dbSNP rs2544196005, ClinGen allele CA400679040.